The following is an entry in ClinVar:

NM_032578.4(MYPN):c.3256G>C (p.Glu1086Gln)

Gene: MYPN (myopalladin; plus strand). Cytogenetic location: 10q21.3.
Variant type: single nucleotide variant.
Coding change: c.3256G>C on transcript NM_032578.4 (MANE Select); coding-DNA position 3256, G replaced by C.
Protein change: p.Glu1086Gln; replaces glutamic acid 1086 with glutamine.
Molecular consequence: missense variant. On other transcripts: non-coding transcript variant (2).
Genome position (GRCh38, 1-based): chr10:68,197,449, G>C. VCF-style: chr10-68197449-G-C. GRCh37 (hg19) VCF-style: chr10-69957206-G-C.
Other names: c.3256G>C, p.Glu1086Gln (NM_001256267.2); c.2374G>C, p.Glu792Gln (NM_001256268.2); short protein forms E1086Q, E792Q.
Identifiers: ClinVar variation 3877257 (VCV003877257.1).

ClinVar aggregate classification (germline): Uncertain significance (1 of 4 stars; one submission).

Conditions:
Cardiovascular phenotype. Identifiers: MedGen CN230736.

Submission:

Ambry Genetics
Classification: Uncertain significance for Cardiovascular phenotype. Last evaluated: 2025-01-28. Review status: criteria provided, single submitter. Criteria: Ambry Variant Classification Scheme 2023. Collection method: clinical testing. Allele origin: germline.
Comment: The p.E1086Q variant (also known as c.3256G>C), located in coding exon 15 of the MYPN gene, results from a G to C substitution at nucleotide position 3256. The glutamic acid at codon 1086 is replaced by glutamine, an amino acid with highly similar properties. This amino acid position is conserved. In addition, the in silico prediction for this alteration is inconclusive. Based on the available evidence, the clinical significance of this variant remains unclear.